The following is an entry in ClinVar:

NM_002972.4(SBF1):c.3284-9C>T

Gene: SBF1 (SET binding factor 1; minus strand). Cytogenetic location: 22q13.33.
Variant type: single nucleotide variant.
Coding change: c.3284-9C>T on transcript NM_002972.4 (MANE Select); 9 bases into the intron before coding-DNA position 3284, C replaced by T.
Molecular consequence: intron variant.
Genome position (GRCh38, 1-based): chr22:50,460,168, G>A on the plus strand (C>T on the coding strand, the complement: SBF1 is on the minus strand). VCF-style: chr22-50460168-G-A. GRCh37 (hg19) VCF-style: chr22-50898597-G-A.
Other names: p.?; c.3284-9C>T (NM_001410795.1); c.3287-9C>T (NM_001365819.1, NM_001410794.1).
Identifiers: ClinVar variation 3003875 (VCV003003875.4), dbSNP rs1486837034, ClinGen allele CA640356207.

ClinVar aggregate classification (germline): Likely benign. Review status: criteria provided, multiple submitters, no conflicts (2 of 4 stars). 2 submissions from 2 submitters: Likely benign (2). Last evaluated 2025-07-09.

gnomAD v4.1: 8 of 1,610,122 alleles (0.0005%); highest among the groups gnomAD compares: Non-Finnish European, 0.00068%; no homozygotes.

Submissions (2):

Mayo Clinic Laboratories, Mayo Clinic
Classification: Likely benign. Last evaluated: 2025-07-09. Review status: criteria provided, single submitter. Criteria: ACMG Guidelines, 2015. Collection method: clinical testing. Allele origin: germline. Observed: 1 variant allele.
Comment: BP4, BP7

Labcorp Genetics (formerly Invitae), Labcorp
Classification: Likely benign. Last evaluated: 2023-11-19. Review status: criteria provided, single submitter. Criteria: Invitae Variant Classification Sherloc (09022015). Collection method: clinical testing. Allele origin: germline.